The following is an entry in ClinVar:

NM_000553.6(WRN):c.3280G>A (p.Val1094Ile)

Gene: WRN (WRN RecQ like helicase; plus strand). Cytogenetic location: 8p12.
Variant type: single nucleotide variant.
Coding change: c.3280G>A on transcript NM_000553.6 (MANE Select); coding-DNA position 3280, G replaced by A.
Protein change: p.Val1094Ile; replaces valine 1094 with isoleucine.
Molecular consequence: missense variant.
Genome position (GRCh38, 1-based): chr8:31,142,672, G>A. VCF-style: chr8-31142672-G-A. GRCh37 (hg19) VCF-style: chr8-31000188-G-A.
Other names: short protein forms V1094I.
Identifiers: ClinVar variation 458447 (VCV000458447.3), dbSNP rs1177192583, ClinGen allele CA370923429.

ClinVar aggregate classification (germline): Uncertain significance (1 of 4 stars; one submission).

Conditions:
Werner syndrome (WRN). Identifiers: Orphanet 902, MedGen C0043119, MONDO:0010196, OMIM 277700.

gnomAD v4.1: 7 of 1,605,138 alleles (0.00044%); highest among the groups gnomAD compares: Non-Finnish European, 0.0006%; no homozygotes.

Submission:

Labcorp Genetics (formerly Invitae), Labcorp
Classification: Uncertain significance for Werner syndrome. Last evaluated: 2023-06-04. Review status: criteria provided, single submitter. Criteria: Invitae Variant Classification Sherloc (09022015). Collection method: clinical testing. Allele origin: germline.
Comment: This sequence change replaces valine, which is neutral and non-polar, with isoleucine, which is neutral and non-polar, at codon 1094 of the WRN protein (p.Val1094Ile). This variant is present in population databases (no rsID available, gnomAD 0.0009%). This variant has not been reported in the literature in individuals affected with WRN-related conditions. ClinVar contains an entry for this variant (Variation ID: 458447). Algorithms developed to predict the effect of missense changes on protein structure and function output the following: SIFT: "Not Available"; PolyPhen-2: "Benign"; Align-GVGD: "Not Available". The isoleucine amino acid residue is found in multiple mammalian species, which suggests that this missense change does not adversely affect protein function. In summary, the available evidence is currently insufficient to determine the role of this variant in disease. Therefore, it has been classified as a Variant of Uncertain Significance.